The following is an entry in ClinVar:

ClinVar aggregate classification (germline): Uncertain significance (1 of 4 stars; one submission).

Conditions:
Kleefstra syndrome 1 (KLEFS1). Identifiers: Orphanet 261494, MedGen C0795833, MONDO:0027407, OMIM 610253.

gnomAD v4.1: 1 of 1,597,254 alleles (0.000063%); highest among the groups gnomAD compares: Non-Finnish European, 0.000086%; no homozygotes.

Submission:

Labcorp Genetics (formerly Invitae), Labcorp
Classification: Uncertain significance for Kleefstra syndrome 1. Last evaluated: 2025-01-30. Review status: criteria provided, single submitter. Criteria: Invitae Variant Classification Sherloc (09022015). Collection method: clinical testing. Allele origin: germline.
Comment: This sequence change replaces glutamine, which is neutral and polar, with histidine, which is basic and polar, at codon 42 of the EHMT1 protein (p.Gln42His). This variant is not present in population databases (gnomAD no frequency). This variant has not been reported in the literature in individuals affected with EHMT1-related conditions. An algorithm developed to predict the effect of missense changes on protein structure and function (PolyPhen-2) suggests that this variant is likely to be disruptive. In summary, the available evidence is currently insufficient to determine the role of this variant in disease. Therefore, it has been classified as a Variant of Uncertain Significance.

NM_024757.5(EHMT1):c.126G>C (p.Gln42His)

Gene: EHMT1 (euchromatic histone lysine methyltransferase 1; plus strand). Cytogenetic location: 9q34.3.
Variant type: single nucleotide variant.
Coding change: c.126G>C on transcript NM_024757.5 (MANE Select); coding-DNA position 126, G replaced by C.
Protein change: p.Gln42His; replaces glutamine 42 with histidine.
Molecular consequence: missense variant.
Genome position (GRCh38, 1-based): chr9:137,716,666, G>C. VCF-style: chr9-137716666-G-C. GRCh37 (hg19) VCF-style: chr9-140611118-G-C.
Other names: c.126G>C, p.Gln42His (NM_001145527.2, NM_001354263.2, NM_001354611.2); c.33G>C, p.Gln11His (NM_001354259.2, NM_001354612.2); short protein forms Q11H, Q42H.
Identifiers: ClinVar variation 3717303 (VCV003717303.2).
Genomic context (GRCh38, chr9:137,716,666, plus strand): 5'-ACTCGTTTCTTTGTTGGCAGAGACACCTATGGCTGCCGATGAAGGCTCAGCAGAGAAACA[G>C]GCAGGAGAGGCCCACATGGCTGCGGACGGTGAGACCAATGGGTCTTGTGAAAACAGCGAT-3'
Protein context (NP_079033.4, residues 32-52): MAADEGSAEK[Gln42His]AGEAHMAADG